The following is an entry in ClinVar:

ClinVar aggregate classification (germline): Benign/Likely benign. Review status: criteria provided, multiple submitters, no conflicts (2 of 4 stars). 9 submissions from 9 submitters: Benign (5); Likely benign (3). 1 of the submissions does not count toward it. Last evaluated 2026-09-01.

Conditions:
Hereditary cancer-predisposing syndrome. Also called: Neoplastic Syndromes, Hereditary; Hereditary neoplastic syndrome; Hereditary Cancer Syndrome; Tumor predisposition. Identifiers: Orphanet 140162, MedGen C0027672, MeSH D009386, MONDO:0015356.
EGFR-related lung cancer (EGFR). Identifiers: MedGen CN130014.

Allele frequency attached by ClinVar (database versions not stated): 1000 Genomes Project 0.00519; 1000 Genomes Project 30x 0.00547; ExAC 0.00740; TOPMed 0.00749; gnomAD exomes 0.00758 and 0.01170; ESP Exome Variant Server 0.00792; gnomAD 0.00836 and 0.00859.
gnomAD v4.1: 18,287 of 1,614,058 alleles (1.1%); highest among the groups gnomAD compares: Non-Finnish European, 1.4%; 114 homozygotes.

Submissions (15):

CeGaT Center for Human Genetics Tuebingen
Classification: Benign. Last evaluated: 2026-09-01. Review status: criteria provided, single submitter. Criteria: CeGaT Center For Human Genetics Tuebingen Variant Classification Criteria Version 2. Collection method: clinical testing. Allele origin: germline. Affected: yes. Observed: 77 variant alleles.
Comment: EGFR: BP4, BP7, BS1, BS2

Labcorp Genetics (formerly Invitae), Labcorp
Classification: Benign for EGFR-related lung cancer. Last evaluated: 2026-02-04. Review status: criteria provided, single submitter. Criteria: Invitae Variant Classification Sherloc (09022015). Collection method: clinical testing. Allele origin: germline.

Mayo Clinic Laboratories, Mayo Clinic
Classification: Likely benign. Last evaluated: 2025-01-26. Review status: criteria provided, single submitter. Criteria: ACMG Guidelines, 2015. Collection method: clinical testing. Allele origin: germline. Observed: 8 variant alleles.
Comment: BS1, BP4

Ambry Genetics
Classification: Benign for Hereditary cancer-predisposing syndrome. Last evaluated: 2024-10-28. Review status: criteria provided, single submitter. Criteria: Ambry Variant Classification Scheme 2023. Collection method: clinical testing. Allele origin: germline.

ARUP Laboratories, Molecular Genetics and Genomics, ARUP Laboratories
Classification: Benign. Last evaluated: 2023-10-16. Review status: criteria provided, single submitter. Criteria: ARUP Molecular Germline Variant Investigation Process 2024. Collection method: clinical testing. Allele origin: germline.

Genetic Services Laboratory, University of Chicago
Classification: Benign. Last evaluated: 2021-07-26. Review status: criteria provided, single submitter. Criteria: ACMG Guidelines, 2015. Collection method: clinical testing. Allele origin: germline. Affected: no.

GeneDx
Classification: Likely benign. Last evaluated: 2020-09-15. Review status: criteria provided, single submitter. Criteria: GeneDx Variant Classification Process June 2021. Collection method: clinical testing. Allele origin: germline. Affected: yes.

Breakthrough Genomics
Classification: Likely benign. Review status: criteria provided, single submitter. Criteria: ACMG Guidelines, 2015. Collection method: not provided. Allele origin: germline. Inheritance: Autosomal recessive inheritance. Affected: yes.

Department of Pathology and Laboratory Medicine, Sinai Health System
Classification: Benign. Review status: no assertion criteria provided. Collection method: clinical testing. Allele origin: unknown. Affected: yes. Study: The Canadian Open Genetics Repository (COGR). Not counted in ClinVar's aggregate classification.
Comment: The EGFR p.Gly503Gly variant was identified in the literature in a Korean cohort of 27 lung cancer cases (frequency: 0.41) and 27 controls (frequency: 0.41) (Choi_2007_PMID:12956637). The variant was also identified in a case report of an individual with suspected plasma cell neoplasm (Peterson_2019_PMID:31320253). The variant was identified in dbSNP (ID: rs17336800), ClinVar (classified as benign by Invitae) and LOVD 3.0, but was not identified in Cosmic. The variant was identified in control databases in 2092 of 267912 chromosomes (14 homozygous) at a frequency of 0.007809 increasing the likelihood this could be a low frequency benign variant (Genome Aggregation Database March 6, 2019, v2.1.1). The variant was observed in the following populations: European (Finnish) in 348 of 24930 chromosomes (freq: 0.01396), European (non-Finnish) in 1370 of 117988 chromosomes (freq: 0.01161), Other in 75 of 6696 chromosomes (freq: 0.0112), Latino in 163 of 35096 chromosomes (freq: 0.004644), Ashkenazi Jewish in 24 of 9852 chromosomes (freq: 0.002436), South Asian in 67 of 30502 chromosomes (freq: 0.002197) and African in 45 of 23606 chromosomes (freq: 0.001906), but was not observed in the East Asian population. The p.Gly503Gly variant is not expected to have clinical significance because it does not result in a change of amino acid and is not located in a known consensus splice site. However, three of four in silico or computational prediction software programs (SpliceSiteFinder, MaxEntScan, NNSPLICE, GeneSplicer) predict a greater than 10% difference in splicing and the creation of a new 5' splice site. However, this has not been confirmed by RNA analysis and is not predictive enough to assume pathogenicity. In summary, based on the above information this variant meets our laboratory's criteria to be classified as benign.

Dr. Peter K. Rogan Lab, Western University
No classification provided (evidence only). Condition: Thyroid cancer, nonmedullary, 1. Review status: no classification provided. Collection method: in vitro. Allele origin: not applicable. Functional consequence: retained intron. Not counted in ClinVar's aggregate classification.

Dr. Peter K. Rogan Lab, Western University
No classification provided (evidence only). Condition: Cervical cancer. Review status: no classification provided. Collection method: in vitro. Allele origin: not applicable. Functional consequence: retained intron. Not counted in ClinVar's aggregate classification.

Dr. Peter K. Rogan Lab, Western University
No classification provided (evidence only). Condition: Cervical cancer. Review status: no classification provided. Collection method: in vitro. Allele origin: not applicable. Functional consequence: skipped exon, retained intron. Not counted in ClinVar's aggregate classification.

Dr. Peter K. Rogan Lab, Western University
No classification provided (evidence only). Condition: Sarcoma. Review status: no classification provided. Collection method: in vitro. Allele origin: not applicable. Functional consequence: skipped exon. Not counted in ClinVar's aggregate classification.

Dr. Peter K. Rogan Lab, Western University
No classification provided (evidence only). Condition: Nonpapillary renal cell carcinoma. Review status: no classification provided. Collection method: in vitro. Allele origin: not applicable. Functional consequence: retained intron. Not counted in ClinVar's aggregate classification.

Dr. Peter K. Rogan Lab, Western University
No classification provided (evidence only). Condition: Ovarian serous cystadenocarcinoma. Review status: no classification provided. Collection method: in vitro. Allele origin: not applicable. Functional consequence: retained intron. Not counted in ClinVar's aggregate classification.

NM_005228.5(EGFR):c.1509C>T (p.Gly503=)

Gene: EGFR (epidermal growth factor receptor; plus strand). Cytogenetic location: 7p11.2.
Variant type: single nucleotide variant.
Coding change: c.1509C>T on transcript NM_005228.5 (MANE Select); coding-DNA position 1509, C replaced by T.
Protein change: p.Gly503=; no amino-acid change (glycine 503 retained).
Molecular consequence: synonymous variant.
Genome position (GRCh38, 1-based): chr7:55,161,509, C>T. VCF-style: chr7-55161509-C-T. GRCh37 (hg19) VCF-style: chr7-55229202-C-T.
Other names: p.Gly503=; c.1374C>T, p.Gly458= (NM_001346897.2, NM_001346899.2); c.1509C>T, p.Gly503= (NM_001346898.2, NM_201282.2, NM_201284.2); c.1350C>T, p.Gly450= (NM_001346900.2); c.708C>T, p.Gly236= (NM_001346941.2).
Identifiers: ClinVar variation 695386 (VCV000695386.51), dbSNP rs17336800, ClinGen allele CA4265606.